The following is an entry in ClinVar:

ClinVar aggregate classification (germline): Uncertain significance. Review status: criteria provided, multiple submitters, no conflicts (2 of 4 stars). 3 submissions from 3 submitters: Uncertain significance (3). Last evaluated 2025-12-01.

Conditions:
Inborn genetic diseases. Identifiers: MedGen C0950123, MeSH D030342.

Allele frequency attached by ClinVar (database versions not stated): gnomAD exomes below 0.00001 and 0.00002; gnomAD 0.00002; TOPMed 0.00003.

Submissions (3):

Labcorp Genetics (formerly Invitae), Labcorp
Classification: Uncertain significance. Last evaluated: 2025-12-01. Review status: criteria provided, single submitter. Criteria: Invitae Variant Classification Sherloc (09022015). Collection method: clinical testing. Allele origin: germline.
Comment: This sequence change replaces arginine, which is basic and polar, with tryptophan, which is neutral and slightly polar, at codon 415 of the CAPN5 protein (p.Arg415Trp). This variant is present in population databases (no rsID available, gnomAD 0.005%). This variant has not been reported in the literature in individuals affected with CAPN5-related conditions. ClinVar contains an entry for this variant (Variation ID: 1517964). An algorithm developed to predict the effect of missense changes on protein structure and function outputs the following: PolyPhen-2: "Benign". The tryptophan amino acid residue is found in multiple mammalian species, which suggests that this missense change does not adversely affect protein function. In summary, the available evidence is currently insufficient to determine the role of this variant in disease. Therefore, it has been classified as a Variant of Uncertain Significance.

Ambry Genetics
Classification: Uncertain significance for Inborn genetic diseases. Last evaluated: 2025-06-07. Review status: criteria provided, single submitter. Criteria: Ambry Variant Classification Scheme 2023. Collection method: clinical testing. Allele origin: germline.

Blueprint Genetics
Classification: Uncertain significance. Last evaluated: 2024-06-04. Review status: criteria provided, single submitter. Criteria: ACMG Guidelines, 2015. Collection method: clinical testing. Allele origin: germline.

NM_004055.5(CAPN5):c.1243C>T (p.Arg415Trp)

Gene: CAPN5 (calpain 5; plus strand). Cytogenetic location: 11q13.5.
Variant type: single nucleotide variant.
Coding change: c.1243C>T on transcript NM_004055.5 (MANE Select); coding-DNA position 1243, C replaced by T.
Protein change: p.Arg415Trp; replaces arginine 415 with tryptophan.
Molecular consequence: missense variant.
Genome position (GRCh38, 1-based): chr11:77,119,105, C>T. VCF-style: chr11-77119105-C-T. GRCh37 (hg19) VCF-style: chr11-76830151-C-T.
Other names: c.1243C>T (NM_004055.4); short protein forms R415W.
Identifiers: ClinVar variation 1517964 (VCV001517964.10), dbSNP rs1358317301, ClinGen allele CA381942377.
Genomic context (GRCh38, chr11:77,119,105, plus strand): 5'-AAGAAGCCAGAAGATGAAGTCCTGATCTGCATCCAGCAGCGGCCAAAGCGGTCTACGCGC[C>T]GGGAGGGCAAGGGTGAGAACCTGGCCATTGGCTTTGACATCTACAAGGTGAGGCCAGCCG-3'
Protein context (NP_004046.2, residues 405-425): IQQRPKRSTR[Arg415Trp]EGKGENLAIG